The following is an entry in ClinVar:

ClinVar aggregate classification (germline): Pathogenic/Likely pathogenic. Review status: criteria provided, multiple submitters, no conflicts (2 of 4 stars). 4 submissions from 4 submitters: Pathogenic (2); Likely pathogenic (1). 1 of the submissions does not count toward it. Last evaluated 2023-07-30.

Conditions:
DE SANCTIS-CACCHIONE SYNDROME. Identifiers: MedGen C0265201, MONDO:0010217, OMIM 278800.
Cerebrooculofacioskeletal syndrome 1 (COFS1). Also called: Cerebro-oculo-facio-skeletal syndrome 1. Identifiers: MedGen C0220722, MONDO:0008955, OMIM 214150.
Cockayne syndrome type 2 (CSB). Also called: COCKAYNE SYNDROME B; Cockayne Syndrome, Type II. Identifiers: Orphanet 191, Orphanet 90322, MedGen C0751038, MONDO:0019570, OMIM 133540.

Allele frequency attached by ClinVar (database versions not stated): TOPMed below 0.00001; ExAC 0.00001; gnomAD exomes 0.00001.

Submissions (4):

Labcorp Genetics (formerly Invitae), Labcorp
Classification: Pathogenic. Last evaluated: 2023-07-30. Review status: criteria provided, single submitter. Criteria: Invitae Variant Classification Sherloc (09022015). Collection method: clinical testing. Allele origin: germline.
Comment: This sequence change creates a premature translational stop signal (p.Leu700Valfs*60) in the ERCC6 gene. It is expected to result in an absent or disrupted protein product. Loss-of-function variants in ERCC6 are known to be pathogenic (PMID: 18628313, 29572252). This variant is present in population databases (rs774791374, gnomAD 0.002%). ClinVar contains an entry for this variant (Variation ID: 190159). This premature translational stop signal has been observed in individual(s) with clinical features of Cockayne syndrome (PMID: 28170084). For these reasons, this variant has been classified as Pathogenic.

Claritas Genomics
Classification: Likely pathogenic for Cockayne syndrome, type B. Last evaluated: 2012-09-07. Review status: criteria provided, single submitter. Criteria: ACMG Guidelines, 2007. Collection method: clinical testing. Allele origin: germline. Inheritance: Autosomal recessive inheritance.

Institute for Medical Genetics and Human Genetics, Charité - Universitätsmedizin Berlin
Classification: Pathogenic for Cockayne syndrome type 2. Review status: criteria provided, single submitter. Criteria: ACMG Guidelines, 2015. Collection method: not provided. Allele origin: germline. Inheritance: Autosomal recessive inheritance. Affected: yes.

Counsyl
Classification: Likely pathogenic for Cockayne syndrome type 2; Cerebrooculofacioskeletal syndrome 1; DE SANCTIS-CACCHIONE SYNDROME. Last evaluated: 2017-07-20. Review status: no assertion criteria provided. Collection method: clinical testing. Allele origin: unknown. Not counted in ClinVar's aggregate classification.

Literature cited by the submitters: PubMed 18628313 (cited by Labcorp Genetics (formerly Invitae), Labcorp); PubMed 29572252 (cited by Labcorp Genetics (formerly Invitae), Labcorp); PubMed 28170084 (cited by Labcorp Genetics (formerly Invitae), Labcorp).

NM_000124.4(ERCC6):c.2096dup (p.Leu700fs)

Gene: ERCC6 (ERCC excision repair 6, chromatin remodeling factor; minus strand). Cytogenetic location: 10q11.23.
Variant type: Duplication.
Coding change: c.2096dup on transcript NM_000124.4 (MANE Select); coding-DNA position 2096, one base duplicated (C; older notation c.2096dupC).
Protein change: p.Leu700fs; shifts the reading frame from leucine 700.
Molecular consequence: frameshift variant.
Genome position (GRCh38, 1-based): chr10:49,482,760, G duplicated on the plus strand (C on the coding strand, the reverse complement: ERCC6 is on the minus strand). VCF-style (leftmost placement, unchanged base first): chr10-49482759-C-CG. GRCh37 (hg19) VCF-style: chr10-50690805-C-CG.
Other names: c.2096dup (NM_000124.3); c.2096dup, p.Leu700fs (NM_001346440.2); short protein forms L700fs.
Identifiers: ClinVar variation 190159 (VCV000190159.12), dbSNP rs774791374, ClinGen allele CA274700.